The following is an entry in ClinVar:

ClinVar aggregate classification (germline): Uncertain significance (1 of 4 stars; one submission).

Conditions:
Inborn genetic diseases. Identifiers: MedGen C0950123, MeSH D030342.

Allele frequency attached by ClinVar (database versions not stated): 1000 Genomes Project 30x 0.00016; 1000 Genomes Project 0.00020.
gnomAD v4.1: 10 of 1,606,512 alleles (0.00062%); highest among the groups gnomAD compares: Admixed American, 0.017%; no homozygotes.

Submission:

Ambry Genetics
Classification: Uncertain significance for Inborn genetic diseases. Last evaluated: 2023-09-06. Review status: criteria provided, single submitter. Criteria: Ambry Variant Classification Scheme 2023. Collection method: clinical testing. Allele origin: germline.
Comment: The p.E15G variant (also known as c.44A>G), located in coding exon 1 of the SLC17A5 gene, results from an A to G substitution at nucleotide position 44. The glutamic acid at codon 15 is replaced by glycine, an amino acid with similar properties. This amino acid position is conserved. In addition, this alteration is predicted to be tolerated by in silico analysis. Since supporting evidence is limited at this time, the clinical significance of this alteration remains unclear.

NM_012434.5(SLC17A5):c.44A>G (p.Glu15Gly)

Genes: SLC17A5 (solute carrier family 17 member 5; minus strand), LOC129996727 (ATAC-STARR-seq lymphoblastoid silent region 17338; plus strand). Cytogenetic location: 6q13.
Variant type: single nucleotide variant.
Coding change: c.44A>G on transcript NM_012434.5 (MANE Select); coding-DNA position 44, A replaced by G.
Protein change: p.Glu15Gly; replaces glutamic acid 15 with glycine.
Molecular consequence: missense variant.
Genome position (GRCh38, 1-based): chr6:73,653,843, T>C on the plus strand (A>G on the coding strand, the complement: SLC17A5 is on the minus strand). VCF-style: chr6-73653843-T-C. GRCh37 (hg19) VCF-style: chr6-74363566-T-C.
Other names: c.10A>G, p.Arg4Gly (NM_001382629.1, NM_001382636.1); c.44A>G, p.Glu15Gly (NM_001382630.1, NM_001382631.1, NM_001382632.1 and 3 more transcripts); short protein forms R4G, E15G.
Identifiers: ClinVar variation 2625537 (VCV002625537.2), dbSNP rs201942170, ClinGen allele CA3890627.